The following is an entry in ClinVar:

NM_005633.4(SOS1):c.2138G>A (p.Arg713Gln)

Gene: SOS1 (SOS Ras/Rac guanine nucleotide exchange factor 1; minus strand). Cytogenetic location: 2p22.1.
Variant type: single nucleotide variant.
Coding change: c.2138G>A on transcript NM_005633.4 (MANE Select); coding-DNA position 2138, G replaced by A.
Protein change: p.Arg713Gln; replaces arginine 713 with glutamine.
Molecular consequence: missense variant.
Genome position (GRCh38, 1-based): chr2:39,013,489, C>T on the plus strand (G>A on the coding strand, the complement: SOS1 is on the minus strand). VCF-style: chr2-39013489-C-T. GRCh37 (hg19) VCF-style: chr2-39240630-C-T.
Other names: c.2117G>A, p.Arg706Gln (NM_001382394.1); c.2138G>A, p.Arg713Gln (NM_001382395.1); short protein forms R713Q, R706Q.
Identifiers: ClinVar variation 120249 (VCV000120249.12), dbSNP rs483352826, ClinGen allele CA267620.

ClinVar aggregate classification (germline): Conflicting classifications of pathogenicity. Review status: criteria provided, conflicting classifications (1 of 4 stars). 6 submissions from 5 submitters: Uncertain significance (4); Likely benign (1). 1 of the submissions does not count toward it. Last evaluated 2024-08-14.

Conditions:
Cardiovascular phenotype. Identifiers: MedGen CN230736.
RASopathy. Also called: Noonan spectrum disorder; rasopathies. Identifiers: Orphanet 536391, MedGen C5555857, MONDO:0021060.
Noonan syndrome 4 (NS4). Also called: SOS1-Related Noonan Syndrome; NOONAN SYNDROME WITH PIGMENTED VILLONODULAR SYNOVITIS. Identifiers: Orphanet 648, MedGen C1853120, MONDO:0012547, OMIM 610733.
Fibromatosis, gingival, 1 (GINGF1). Identifiers: Orphanet 2024, MedGen C4551558, MONDO:0007609, OMIM 135300.

Allele frequency attached by ClinVar (database versions not stated): TOPMed below 0.00001; gnomAD exomes 0.00001 and 0.00003; gnomAD 0.00002; ExAC 0.00005.
gnomAD v4.1: 22 of 1,611,596 alleles (0.0014%); highest among the groups gnomAD compares: South Asian, 0.0066%; no homozygotes.

Submissions (6):

Labcorp Genetics (formerly Invitae), Labcorp
Classification: Uncertain significance for RASopathy. Last evaluated: 2024-08-14. Review status: criteria provided, single submitter. Criteria: Invitae Variant Classification Sherloc (09022015). Collection method: clinical testing. Allele origin: germline.
Comment: This sequence change replaces arginine, which is basic and polar, with glutamine, which is neutral and polar, at codon 713 of the SOS1 protein (p.Arg713Gln). This variant is present in population databases (rs483352826, gnomAD 0.02%). This missense change has been observed in individual(s) with SOS1-related conditions (PMID: 24896146). ClinVar contains an entry for this variant (Variation ID: 120249). Invitae Evidence Modeling of protein sequence and biophysical properties (such as structural, functional, and spatial information, amino acid conservation, physicochemical variation, residue mobility, and thermodynamic stability) indicates that this missense variant is not expected to disrupt SOS1 protein function with a negative predictive value of 80%. In summary, the available evidence is currently insufficient to determine the role of this variant in disease. Therefore, it has been classified as a Variant of Uncertain Significance.

Ambry Genetics
Classification: Likely benign for Cardiovascular phenotype. Last evaluated: 2024-02-28. Review status: criteria provided, single submitter. Criteria: Ambry Variant Classification Scheme 2023. Collection method: clinical testing. Allele origin: germline.

GeneDx
Classification: Uncertain significance. Last evaluated: 2015-10-27. Review status: criteria provided, single submitter. Criteria: GeneDx Variant Classification (06012015). Collection method: clinical testing. Allele origin: germline. Affected: yes.
Comment: The R713Q variant has not been published as a pathogenic variant, nor has it been reported as a benign variant to our knowledge. It was not observed in approximately 6,500 individuals of European and African American ancestry in the NHLBI Exome Sequencing Project, indicating it is not a common benign variant in these populations. R713Q is a semi-conservative amino acid substitution, which may impact secondary protein structure as these residues differ in some properties. This substitution occurs at a position that is conserved in mammals; however, in silico analysis is inconsistent in its predictions as to whether or not the variant is damaging to the protein structure/function. A missense variant in a nearby residue (A708T) has been reported in the Human Gene Mutation Database in association with Noonan syndrome (Stenson et al., 2014), supporting the functional importance of this region of the protein. Therefore, based on the currently available information, it is unclear whether this variant is a pathogenic variant or a rare benign variant.

Genome-Nilou Lab
Classification: Uncertain significance for Noonan syndrome 4. Review status: criteria provided, single submitter. Criteria: ACMG Guidelines, 2015. Collection method: clinical testing. Allele origin: germline.

Genome-Nilou Lab
Classification: Uncertain significance for Fibromatosis, gingival, 1. Review status: criteria provided, single submitter. Criteria: ACMG Guidelines, 2015. Collection method: clinical testing. Allele origin: germline.

Institute of Molecular Pathology and Immunology of the University of Porto (IPATIMUP)
No classification provided. Condition: Noonan syndrome 4. Review status: no classification provided. Collection method: not provided. Allele origin: germline. Not counted in ClinVar's aggregate classification.

Literature cited by the submitters: PubMed 24896146 (cited by Labcorp Genetics (formerly Invitae), Labcorp and Ambry Genetics); PubMed 36413997 (cited by Ambry Genetics).